The following is an entry in ClinVar:

NM_001378615.1(CC2D2A):c.3892_3893del (p.Val1298fs)

Genes: CC2D2A (coiled-coil and C2 domain containing 2A; plus strand), FBXL5 (F-box and leucine rich repeat protein 5; minus strand). Cytogenetic location: 4p15.32.
Variant type: Deletion.
Coding change: c.3892_3893del on transcript NM_001378615.1 (MANE Select); coding-DNA positions 3892 to 3893, 2 bases deleted (GT; older notation c.3892_3893delGT).
Protein change: p.Val1298fs; shifts the reading frame from valine 1298.
Molecular consequence: frameshift variant.
Genome position (GRCh38, 1-based): chr4:15,580,088-15,580,089, GT deleted; deleting any 2 consecutive bases within chr4:15,580,087-15,580,089 gives the same sequence; the c. name uses the placement nearest the transcript's 3' end. VCF-style (leftmost placement, unchanged base first): chr4-15580086-CTG-C. GRCh37 (hg19) VCF-style: chr4-15581709-CTG-C.
Other names: c.3891_3892delTG (NM_001080522.2); c.3892_3893del, p.Val1298fs (NM_001080522.2); c.3745_3746del, p.Val1249fs (NM_001378617.1); c.3892_3893delGT (NM_001080522.2); short protein forms V1298fs, V1249fs.
Identifiers: ClinVar variation 217596 (VCV000217596.6), dbSNP rs763735590, ClinGen allele CA210325.
Genomic context (GRCh38, chr4:15,580,086, plus strand): 5'-GTGCCTTAAAGTTTCCAAATCGTCAGTGCCTTACAACAGTAATTGATATAAGCGGAAAAA[CTG>C]TTTTTATCACACGTTATCTCAAACCTTTAAACCCTCCTCAGGAGCTCCTTAATGTCTACC-3'

ClinVar aggregate classification (germline): Pathogenic/Likely pathogenic. Review status: criteria provided, multiple submitters, no conflicts (2 of 4 stars). 6 submissions from 6 submitters: Pathogenic (5); Likely pathogenic (1). Last evaluated 2025-07-24.

Conditions:
Inborn genetic diseases. Identifiers: MedGen C0950123, MeSH D030342.
Joubert syndrome 9 (JBTS9). Identifiers: Orphanet 2318, MedGen C2676788, MONDO:0012849, OMIM 612285.
CC2D2A-related disorder. Also called: CC2D2A-related disorders; CC2D2A-related condition. Identifiers: MedGen CN239313.
Joubert syndrome. Also called: Familial aplasia of the vermis; JOUBERT-BOLTSHAUSER SYNDROME. Identifiers: Orphanet 475, MedGen C5979921, MONDO:0018772.
Meckel-Gruber syndrome. Also called: Dysencephalia splachnocystica; DYSENCEPHALIA SPLANCHNOCYSTICA; GRUBER SYNDROME. Identifiers: Orphanet 564, MedGen C0265215, MONDO:0018921.
Joubert syndrome and related disorders. Identifiers: Orphanet 140874, MedGen C5679612, MONDO:0015369.

Submissions (6):

Ambry Genetics
Classification: Pathogenic for Inborn genetic diseases. Last evaluated: 2025-07-24. Review status: criteria provided, single submitter. Criteria: Ambry Variant Classification Scheme 2023. Collection method: clinical testing. Allele origin: germline.
Comment: The c.3892_3893delGT (p.V1298Ffs*17) alteration, located in exon 31 (coding exon 29) of the CC2D2A gene, consists of a deletion of 2 nucleotides from position 3892 to 3893, causing a translational frameshift with a predicted alternate stop codon after 17 amino acids. This alteration is expected to result in loss of function by premature protein truncation or nonsense-mediated mRNA decay. This variant was not reported in population-based cohorts in the Genome Aggregation Database (gnomAD). This variant has been identified in trans with another CC2D2A variant in an individual with features consistent with CC2D2A-related ciliopathy (Bachmann-Gagescu, 2012). Based on the available evidence, this alteration is classified as pathogenic.

GeneDx
Classification: Pathogenic. Last evaluated: 2024-03-25. Review status: criteria provided, single submitter. Criteria: GeneDx Variant Classification Process June 2021. Collection method: clinical testing. Allele origin: germline. Affected: yes.
Comment: Frameshift variant predicted to result in protein truncation or nonsense mediated decay in a gene for which loss of function is a known mechanism of disease; Not observed at significant frequency in large population cohorts (gnomAD); This variant is associated with the following publications: (PMID: 26092869, 31964843, 22241855)

Myriad Genetics, Inc.
Classification: Pathogenic for Joubert syndrome and related disorders. Last evaluated: 2024-02-26. Review status: criteria provided, single submitter. Criteria: Myriad Autosomal Dominant, Autosomal Recessive and X-Linked Classification Criteria (2023). Collection method: clinical testing. Allele origin: unknown.
Comment: NM_001080522.2(CC2D2A):c.3892_3893delGT(V1298Ffs*17) is expected to be pathogenic in the context of CC2D2A-related disorders. This variant is predicted to lead to an abnormal or absent protein product due to the creation of a premature termination codon in CC2D2A, a gene where loss-of-function variants are known to be pathogenic. Please note: this variant was assessed in the context of healthy population screening.

Labcorp Genetics (formerly Invitae), Labcorp
Classification: Pathogenic for Joubert syndrome; Meckel-Gruber syndrome. Last evaluated: 2023-08-18. Review status: criteria provided, single submitter. Criteria: Invitae Variant Classification Sherloc (09022015). Collection method: clinical testing. Allele origin: germline.
Comment: This sequence change creates a premature translational stop signal (p.Val1298Phefs*17) in the CC2D2A gene. It is expected to result in an absent or disrupted protein product. Loss-of-function variants in CC2D2A are known to be pathogenic (PMID: 19777577). This variant is present in population databases (rs763735590, gnomAD 0.002%). This premature translational stop signal has been observed in individual(s) with Joubert syndrome (PMID: 22241855). ClinVar contains an entry for this variant (Variation ID: 217596). Algorithms developed to predict the effect of sequence changes on RNA splicing suggest that this variant may disrupt the consensus splice site. For these reasons, this variant has been classified as Pathogenic.

Blueprint Genetics
Classification: Likely pathogenic for CC2D2A-related disorders. Last evaluated: 2017-06-12. Review status: criteria provided, single submitter. Criteria: ACMG Guidelines, 2015. Collection method: clinical testing. Allele origin: germline. Affected: yes. Observed: 1 variant allele.

UW Hindbrain Malformation Research Program, University of Washington
Classification: Pathogenic for Joubert syndrome 9. Last evaluated: 2015-02-23. Review status: criteria provided, single submitter. Criteria: Bachmann-Gagescu et al. (J Med Genet. 2015). Collection method: research. Allele origin: unknown. Affected: yes.

Literature cited by the submitters: PubMed 22241855 (cited by Ambry Genetics and Labcorp Genetics (formerly Invitae), Labcorp); PubMed 19777577 (cited by Labcorp Genetics (formerly Invitae), Labcorp).